The following is an entry in ClinVar:

NM_000512.5(GALNS):c.1244G>T (p.Gly415Val)

Gene: GALNS (galactosamine (N-acetyl)-6-sulfatase; minus strand). Cytogenetic location: 16q24.3.
Variant type: single nucleotide variant.
Coding change: c.1244G>T on transcript NM_000512.5 (MANE Select); coding-DNA position 1244, G replaced by T.
Protein change: p.Gly415Val; replaces glycine 415 with valine.
Molecular consequence: missense variant.
Genome position (GRCh38, 1-based): chr16:88,822,709, C>A on the plus strand (G>T on the coding strand, the complement: GALNS is on the minus strand). VCF-style: chr16-88822709-C-A. GRCh37 (hg19) VCF-style: chr16-88889117-C-A.
Other names: c.689G>T, p.Gly230Val (NM_001323543.2); c.1262G>T, p.Gly421Val (NM_001323544.2); short protein forms G230V, G415V, G421V.
Identifiers: ClinVar variation 1048354 (VCV001048354.3), dbSNP rs2142992416, ClinGen allele CA397096507.
Genomic context (GRCh38, chr16:88,822,709, plus strand): 5'-TGGTCTTCCAGATTGTGAGTTGTGACCCCTGAAACGTTCTGCCCAGGGCAGAAATCAATG[C>A]CCTGCAATGAGAAGAGGGAAGGTGTGTCCTGGAGCCCCTGACCTGCGGCCGTGAGGGGCC-3'
Protein context (NP_000503.1, residues 405-425): WTNSWENFRQ[Gly415Val]IDFCPGQNVS

ClinVar aggregate classification (germline): Uncertain significance (1 of 4 stars; one submission).

Conditions:
Mucopolysaccharidosis, MPS-IV-A (MPS4A). Also called: Mucopolysaccharidosis type IV A; Mucopolysaccharidosis Type IVA; Morquio syndrome A, mild; MORQUIO SYNDROME A; MPS IVA; mucopolysaccharidosis type 4A. Identifiers: Orphanet 309297, Orphanet 582, MedGen C0086651, MONDO:0009659, OMIM 253000.

Submission:

Laboratory of Diagnosis and Therapy of Lysosomal Disorders, University of Padova
Classification: Uncertain significance for Mucopolysaccharidosis, MPS-IV-A. Last evaluated: 2021-02-01. Review status: criteria provided, single submitter. Criteria: ACMG Guidelines, 2015. Collection method: curation. Allele origin: germline. Affected: yes.
Comment: In vivo functional studies supportive of a damaging effect on the gene product (low to null enzymatic activity in homozygotes; PS3_supporting); absent from gnomAD v2.1.1 (PM2_moderate); multiple lines of computational evidence support a deleterious effect on the gene (PP3_supporting)

Literature cited by the submitters: PubMed 24726177; PubMed 34387910.